The following is an entry in ClinVar:

NM_182914.3(SYNE2):c.10218G>T (p.Leu3406Phe)

Gene: SYNE2 (spectrin repeat containing nuclear envelope protein 2; plus strand). Cytogenetic location: 14q23.2.
Variant type: single nucleotide variant.
Coding change: c.10218G>T on transcript NM_182914.3 (MANE Select); coding-DNA position 10218, G replaced by T.
Protein change: p.Leu3406Phe; replaces leucine 3406 with phenylalanine.
Molecular consequence: missense variant.
Genome position (GRCh38, 1-based): chr14:64,065,437, G>T. VCF-style: chr14-64065437-G-T. GRCh37 (hg19) VCF-style: chr14-64532155-G-T.
Other names: c.10218G>T, p.Leu3406Phe (NM_015180.6); short protein forms L3406F.
Identifiers: ClinVar variation 470909 (VCV000470909.42), dbSNP rs201421128, ClinGen allele CA7221464.
Genomic context (GRCh38, chr14:64,065,437, plus strand): 5'-TTCAGGAAAACCATAATAGTATGTCCCTCTTATTTTTTTTCTTTTCTTTCTTAAGGCCTT[G>T]GTGTCAAATCTTATATCAACCAAAGAAGAGTTAATGAAACTACGACAGATCCTTAGACTC-3'
Protein context (NP_878918.2, residues 3396-3416): ALERLEQSKA[Leu3406Phe]VSNLISTKEE

ClinVar aggregate classification (germline): Conflicting classifications of pathogenicity. Review status: criteria provided, conflicting classifications (1 of 4 stars). 4 submissions from 4 submitters: Uncertain significance (2); Benign (1); Likely benign (1). Last evaluated 2026-02-01.

Conditions:
Emery-Dreifuss muscular dystrophy 5, autosomal dominant (EDMD5). Also called: EMERY-DREIFUSS MUSCULAR DYSTROPHY 5. Identifiers: Orphanet 261, MedGen C2751805, MONDO:0013072, OMIM 612999.

Allele frequency attached by ClinVar (database versions not stated): 1000 Genomes Project 30x 0.00016; 1000 Genomes Project 0.00020; TOPMed 0.00022; gnomAD exomes 0.00026 and 0.00045; ExAC 0.00041; ESP Exome Variant Server 0.00042.
gnomAD v4.1: 683 of 1,613,886 alleles (0.042%); highest among the groups gnomAD compares: Non-Finnish European, 0.054%; 1 homozygote.

Submissions (4):

Labcorp Genetics (formerly Invitae), Labcorp
Classification: Uncertain significance for Emery-Dreifuss muscular dystrophy 5, autosomal dominant. Last evaluated: 2026-02-01. Review status: criteria provided, single submitter. Criteria: Invitae Variant Classification Sherloc (09022015). Collection method: clinical testing. Allele origin: germline.
Comment: This sequence change replaces leucine, which is neutral and non-polar, with phenylalanine, which is neutral and non-polar, at codon 3406 of the SYNE2 protein (p.Leu3406Phe). This variant is present in population databases (rs201421128, gnomAD 0.05%), and has an allele count higher than expected for a pathogenic variant. This variant has not been reported in the literature in individuals affected with SYNE2-related conditions. ClinVar contains an entry for this variant (Variation ID: 470909). An algorithm developed to predict the effect of missense changes on protein structure and function outputs the following: PolyPhen-2: "Probably Damaging". The phenylalanine amino acid residue is found in multiple mammalian species, which suggests that this missense change does not adversely affect protein function. In summary, the available evidence is currently insufficient to determine the role of this variant in disease. Therefore, it has been classified as a Variant of Uncertain Significance.

Women's Health and Genetics/Laboratory Corporation of America, LabCorp
Classification: Uncertain significance. Last evaluated: 2025-07-30. Review status: criteria provided, single submitter. Criteria: LabCorp Variant Classification Summary - May 2015. Collection method: clinical testing. Allele origin: germline.
Comment: Variant summary: SYNE2 c.10218G>T (p.Leu3406Phe) results in a non-conservative amino acid change in the encoded protein sequence. Algorithms developed to predict the effect of missense changes on protein structure and function are either unavailable or do not agree on the potential impact of this missense change. The variant allele was found at a frequency of 0.00026 in 249310 control chromosomes. This frequency is not significantly higher than estimated for a pathogenic variant in SYNE2 causing Emery-Dreifuss muscular dystrophy 5, autosomal dominant, allowing no conclusion about variant significance. To our knowledge, no occurrence of c.10218G>T in individuals affected with Emery-Dreifuss muscular dystrophy 5, autosomal dominant and no experimental evidence demonstrating its impact on protein function have been reported. ClinVar contains an entry for this variant (Variation ID: 470909). Based on the evidence outlined above, the variant was classified as uncertain significance.

CeGaT Center for Human Genetics Tuebingen
Classification: Likely benign. Last evaluated: 2023-02-01. Review status: criteria provided, single submitter. Criteria: CeGaT Center For Human Genetics Tuebingen Variant Classification Criteria Version 2. Collection method: clinical testing. Allele origin: germline. Affected: yes. Observed: 2 variant alleles.
Comment: SYNE2: BP4

Illumina Laboratory Services, Illumina
Classification: Benign for Emery-Dreifuss muscular dystrophy 5, autosomal dominant. Last evaluated: 2018-01-13. Review status: criteria provided, single submitter. Criteria: ICSL Variant Classification Criteria 13 December 2019. Collection method: clinical testing. Allele origin: germline.
Comment: This variant was observed in the ICSL laboratory as part of a predisposition screen in an ostensibly healthy population. It had not been previously curated by ICSL or reported in the Human Gene Mutation Database (HGMD: prior to June 1st, 2018), and was therefore a candidate for classification through an automated scoring system. Utilizing variant allele frequency, disease prevalence and penetrance estimates, and inheritance mode, an automated score was calculated to assess if this variant is too frequent to cause the disease. Based on the score and internal cut-off values, a variant classified as benign is not then subjected to further curation. The score for this variant resulted in a classification of benign for this disease.